The following is an entry in ClinVar:

ClinVar aggregate classification (germline): Pathogenic (1 of 4 stars; one submission).

Conditions:
Hereditary cancer-predisposing syndrome. Also called: Neoplastic Syndromes, Hereditary; Hereditary Cancer Syndrome; Hereditary neoplastic syndrome; Tumor predisposition. Identifiers: Orphanet 140162, MedGen C0027672, MeSH D009386, MONDO:0015356.

Submission:

Ambry Genetics
Classification: Pathogenic for Hereditary cancer-predisposing syndrome. Last evaluated: 2026-05-28. Review status: criteria provided, single submitter. Criteria: Ambry Variant Classification Scheme 2023. Collection method: clinical testing. Allele origin: germline.
Comment: The c.1496_1498dupAAT pathogenic mutation (also known as p.E499_W500ins* and p.Trp500Ter), located in coding exon 10 of the FH gene, results from an in-frame duplication of AAT at nucleotide positions 1496 to 1498. This changes the amino acid from a tryptophan to a stop codon within coding exon 10. This variant occurs at the 3' terminus of the gene, is not expected to trigger nonsense-mediated mRNA decay, and impacts the last 2.2% of the protein. However, premature stop codons are typically deleterious in nature and the impacted region is critical for protein function (Ambry internal data). This variant was reported in individual(s) with features consistent with FH-related tumor predisposition (Ambry internal data). This variant is considered to be rare based on population cohorts in the Genome Aggregation Database (gnomAD). Based on the supporting evidence, this variant is interpreted as a disease-causing mutation.

NM_000143.4(FH):c.1496_1498dup (p.Trp500Ter)

Gene: FH (fumarate hydratase; minus strand). Cytogenetic location: 1q43.
Variant type: Duplication.
Coding change: c.1496_1498dup on transcript NM_000143.4 (MANE Select); coding-DNA positions 1496 to 1498, 3 bases duplicated (AAT; older notation c.1496_1498dupAAT).
Protein change: p.Trp500Ter; replaces tryptophan 500 with a stop codon.
Molecular consequence: nonsense. On other transcripts: inframe indel (1).
Genome position (GRCh38, 1-based): chr1:241,497,863-241,497,865, ATT duplicated on the plus strand (AAT on the coding strand, the reverse complement: FH is on the minus strand). VCF-style (leftmost placement, unchanged base first): chr1-241497862-C-CATT. GRCh37 (hg19) VCF-style: chr1-241661162-C-CATT.
Other names: c.1496_1498dupAAT (NM_000143.3); short protein forms W500*.
Identifiers: ClinVar variation 4871332 (VCV004871332.1).